The following is an entry in ClinVar:

NM_005604.4(POU3F2):c.1327C>A (p.Gln443Lys)

Gene: POU3F2 (POU class 3 homeobox 2; plus strand). Cytogenetic location: 6q16.1.
Variant type: single nucleotide variant.
Coding change: c.1327C>A on transcript NM_005604.4 (MANE Select); coding-DNA position 1327, C replaced by A.
Protein change: p.Gln443Lys; replaces glutamine 443 with lysine.
Molecular consequence: missense variant.
Genome position (GRCh38, 1-based): chr6:98,836,200, C>A. VCF-style: chr6-98836200-C-A. GRCh37 (hg19) VCF-style: chr6-99284076-C-A.
Other names: short protein forms Q443K.
Identifiers: ClinVar variation 2630751 (VCV002630751.2), dbSNP rs560285896, ClinGen allele CA365291659.

ClinVar aggregate classification (germline): Uncertain significance (0 of 4 stars; one submission).

Conditions:
POU3F2-related disorder. Also called: POU3F2-related condition.

Allele frequency attached by ClinVar (database versions not stated): TOPMed 0.00001; gnomAD 0.00002.

Submission:

PreventionGenetics, part of Exact Sciences
Classification: Uncertain significance for POU3F2-related condition. Last evaluated: 2024-06-28. Review status: no assertion criteria provided. Collection method: clinical testing. Allele origin: germline.
Comment: The POU3F2 c.1327C>A variant is predicted to result in the amino acid substitution p.Gln443Lys. To our knowledge, this variant has not been reported in the literature or in gnomAD, indicating this variant is rare. At this time, the clinical significance of this variant is uncertain due to the absence of conclusive functional and genetic evidence.